The following is an entry in ClinVar:

NM_152564.5(VPS13B):c.4645G>A (p.Ala1549Thr)

Gene: VPS13B (vacuolar protein sorting 13 homolog B; plus strand). Cytogenetic location: 8q22.2.
Variant type: single nucleotide variant.
Coding change: c.4645G>A on transcript NM_152564.5 (MANE Select); coding-DNA position 4645, G replaced by A.
Protein change: p.Ala1549Thr; replaces alanine 1549 with threonine.
Molecular consequence: missense variant.
Genome position (GRCh38, 1-based): chr8:99,520,910, G>A. VCF-style: chr8-99520910-G-A. GRCh37 (hg19) VCF-style: chr8-100533138-G-A.
Other names: c.4720G>A, p.Ala1574Thr (NM_017890.5); c.4720G>A (NM_017890.3); c.4645G>A (NM_152564.4); short protein forms A1549T, A1574T.
Identifiers: ClinVar variation 569512 (VCV000569512.12), dbSNP rs750053756, ClinGen allele CA182986518.

ClinVar aggregate classification (germline): Uncertain significance. Review status: criteria provided, multiple submitters, no conflicts (2 of 4 stars). 4 submissions from 4 submitters: Uncertain significance (2). 2 of the submissions do not count toward it. Last evaluated 2022-10-24.

Conditions:
VPS13B-related disorder. Also called: VPS13B-related condition.
Cohen syndrome (COH1). Also called: PEPPER SYNDROME; Cutis verticis gyrata, retinitis pigmentosa, and sensorineural deafness. Identifiers: Orphanet 193, MedGen C0265223, MONDO:0008999, OMIM 216550.
Inborn genetic diseases. Identifiers: MedGen C0950123, MeSH D030342.

Allele frequency attached by ClinVar (database versions not stated): gnomAD 0.00001; gnomAD exomes 0.00001 and 0.00002; TOPMed 0.00002.
gnomAD v4.1: 22 of 1,613,530 alleles (0.0014%); highest among the groups gnomAD compares: Admixed American, 0.0083%; no homozygotes.

Submissions (4):

Labcorp Genetics (formerly Invitae), Labcorp
Classification: Uncertain significance for Cohen syndrome. Last evaluated: 2022-10-24. Review status: criteria provided, single submitter. Criteria: Invitae Variant Classification Sherloc (09022015). Collection method: clinical testing. Allele origin: germline.
Comment: This sequence change replaces alanine, which is neutral and non-polar, with threonine, which is neutral and polar, at codon 1574 of the VPS13B protein (p.Ala1574Thr). This variant is present in population databases (rs750053756, gnomAD 0.01%). This variant has not been reported in the literature in individuals affected with VPS13B-related conditions. ClinVar contains an entry for this variant (Variation ID: 569512). Advanced modeling of protein sequence and biophysical properties (such as structural, functional, and spatial information, amino acid conservation, physicochemical variation, residue mobility, and thermodynamic stability) performed at Invitae indicates that this missense variant is not expected to disrupt VPS13B protein function. In summary, the available evidence is currently insufficient to determine the role of this variant in disease. Therefore, it has been classified as a Variant of Uncertain Significance.

Ambry Genetics
Classification: Uncertain significance for Inborn genetic diseases. Last evaluated: 2022-07-19. Review status: criteria provided, single submitter. Criteria: Ambry Variant Classification Scheme 2023. Collection method: clinical testing. Allele origin: germline.

PreventionGenetics, part of Exact Sciences
Classification: Uncertain significance for VPS13B-related condition. Last evaluated: 2024-05-10. Review status: no assertion criteria provided. Collection method: clinical testing. Allele origin: germline. Not counted in ClinVar's aggregate classification.
Comment: The VPS13B c.4645G>A variant is predicted to result in the amino acid substitution p.Ala1549Thr. To our knowledge, this variant has not been reported in the literature. This variant is reported in 0.012% of alleles in individuals of Latino descent in gnomAD. At this time, the clinical significance of this variant is uncertain due to the absence of conclusive functional and genetic evidence.

Natera, Inc.
Classification: Uncertain significance for Cohen syndrome. Last evaluated: 2019-11-11. Review status: no assertion criteria provided. Collection method: clinical testing. Allele origin: germline. Not counted in ClinVar's aggregate classification.